The following is an entry in ClinVar:

NM_152594.3(SPRED1):c.403G>C (p.Glu135Gln)

Gene: SPRED1 (sprouty related EVH1 domain containing 1; plus strand). Cytogenetic location: 15q14.
Variant type: single nucleotide variant.
Coding change: c.403G>C on transcript NM_152594.3 (MANE Select); coding-DNA position 403, G replaced by C.
Protein change: p.Glu135Gln; replaces glutamic acid 135 with glutamine.
Molecular consequence: missense variant.
Genome position (GRCh38, 1-based): chr15:38,324,789, G>C. VCF-style: chr15-38324789-G-C. GRCh37 (hg19) VCF-style: chr15-38616990-G-C.
Other names: short protein forms E135Q.
Identifiers: ClinVar variation 664866 (VCV000664866.12), dbSNP rs1595748136, ClinGen allele CA391932336.

ClinVar aggregate classification (germline): Uncertain significance. Review status: criteria provided, multiple submitters, no conflicts (2 of 4 stars). 2 submissions from 2 submitters: Uncertain significance (2). Last evaluated 2025-02-22.

Conditions:
Legius syndrome. Identifiers: Orphanet 137605, MedGen C1969623, MONDO:0012669, OMIM 611431. Disease mechanism: loss of function.
Cardiovascular phenotype. Identifiers: MedGen CN230736.

Allele frequency attached by ClinVar (database versions not stated): gnomAD exomes below 0.00001.
gnomAD v4.1: 2 of 1,611,700 alleles (0.00012%); highest among the groups gnomAD compares: Non-Finnish European, 0.00017%; no homozygotes.

Submissions (2):

Ambry Genetics
Classification: Uncertain significance for Cardiovascular phenotype. Last evaluated: 2025-02-22. Review status: criteria provided, single submitter. Criteria: Ambry Variant Classification Scheme 2023. Collection method: clinical testing. Allele origin: germline.
Comment: The p.E135Q variant (also known as c.403G>C), located in coding exon 4 of the SPRED1 gene, results from a G to C substitution at nucleotide position 403. The glutamic acid at codon 135 is replaced by glutamine, an amino acid with highly similar properties. This amino acid position is conserved. In addition, this alteration is predicted to be tolerated by in silico analysis. Since supporting evidence is limited at this time, the clinical significance of this alteration remains unclear.

Labcorp Genetics (formerly Invitae), Labcorp
Classification: Uncertain significance for Legius syndrome. Last evaluated: 2023-02-21. Review status: criteria provided, single submitter. Criteria: Invitae Variant Classification Sherloc (09022015). Collection method: clinical testing. Allele origin: germline.
Comment: Advanced modeling performed at Invitae incorporating data from internal and/or published experimental studies (Invitae) indicates that this missense variant is not expected to disrupt SPRED1 function. ClinVar contains an entry for this variant (Variation ID: 664866). In summary, the available evidence is currently insufficient to determine the role of this variant in disease. Therefore, it has been classified as a Variant of Uncertain Significance. This variant has not been reported in the literature in individuals affected with SPRED1-related conditions. This variant is not present in population databases (gnomAD no frequency). This sequence change replaces glutamic acid, which is acidic and polar, with glutamine, which is neutral and polar, at codon 135 of the SPRED1 protein (p.Glu135Gln).